The following is an entry in ClinVar:

ClinVar aggregate classification (germline): Benign (3 of 4 stars; one submission).

Conditions:
Breast-ovarian cancer, familial, susceptibility to, 2 (BROVCA2). Also called: BRCA2 Hereditary Breast and Ovarian Cancer. Identifiers: Orphanet 145, MedGen C2675520, MONDO:0012933, OMIM 612555. Disease mechanism: loss of function.

Allele frequency attached by ClinVar (database versions not stated): 1000 Genomes Project 0.00659; gnomAD 0.00728 and 0.00796; 1000 Genomes Project 30x 0.00734; TOPMed 0.00806.
gnomAD v4.1: 1,101 of 152,340 alleles (0.72%); highest among the groups gnomAD compares: African/African-American, 2.5%; 16 homozygotes.

Submission:

Evidence-based Network for the Interpretation of Germline Mutant Alleles (ENIGMA)
Classification: Benign for Breast-ovarian cancer, familial 2. Last evaluated: 2015-01-12. Review status: reviewed by expert panel. Criteria: ENIGMA BRCA1/2 Classification Criteria (2015). Collection method: curation. Allele origin: germline.
Comment: Class 1 not pathogenic based on frequency >1% in an outbred sampleset. Frequency 0.02642 (African), derived from 1000 genomes (2012-04-30).

NM_000059.4(BRCA2):c.316+446A>G

Gene: BRCA2 (BRCA2 DNA repair associated; plus strand). Cytogenetic location: 13q13.1.
Variant type: single nucleotide variant.
Coding change: c.316+446A>G on transcript NM_000059.4 (MANE Select); 446 bases into the intron after coding-DNA position 316, A replaced by G.
Molecular consequence: intron variant.
Genome position (GRCh38, 1-based): chr13:32,319,771, A>G. VCF-style: chr13-32319771-A-G. GRCh37 (hg19) VCF-style: chr13-32893908-A-G.
Other names: IVS 3+446A>G.
Identifiers: ClinVar variation 209621 (VCV000209621.1), dbSNP rs74044998, ClinGen allele CA276590.